The following is an entry in ClinVar:

NM_024747.6(HPS6):c.*178T>G

Gene: HPS6 (HPS6 biogenesis of lysosomal organelles complex 2 subunit 3; plus strand). Cytogenetic location: 10q24.32.
Variant type: single nucleotide variant.
Coding change: c.*178T>G on transcript NM_024747.6 (MANE Select); 178 bases downstream of the stop codon, T replaced by G.
Molecular consequence: 3 prime UTR variant.
Genome position (GRCh38, 1-based): chr10:102,067,980, T>G. VCF-style: chr10-102067980-T-G. GRCh37 (hg19) VCF-style: chr10-103827737-T-G.
Identifiers: ClinVar variation 261761 (VCV000261761.10), dbSNP rs3816, ClinGen allele CA10587073.
Genomic context (GRCh38, chr10:102,067,980, plus strand): 5'-GGGAAGGGTGCCTGGGACTTGGAGGGTCCCATGTATGGACCTGTGTATGCAATACTGTTC[T>G]GTCATCTGGAGCTATTTTTAAGATGTGTGTGTTAAATATATACATAGTTTAATATATACA-3'

ClinVar aggregate classification (germline): Benign. Review status: criteria provided, multiple submitters, no conflicts (2 of 4 stars). 4 submissions from 4 submitters: Benign (4). Last evaluated 2018-11-12.

Conditions:
Hermansky-Pudlak syndrome 6 (HPS6). Identifiers: Orphanet 231512, Orphanet 79430, MedGen C3888007, MONDO:0013558, OMIM 614075.

Allele frequency attached by ClinVar (database versions not stated): gnomAD 0.19913 and 0.20700; TOPMed 0.21617; 1000 Genomes Project 30x 0.27592; 1000 Genomes Project 0.28075.

Submissions (4):

GeneDx
Classification: Benign. Last evaluated: 2018-11-12. Review status: criteria provided, single submitter. Criteria: GeneDx Variant Classification Process June 2021. Collection method: clinical testing. Allele origin: germline. Affected: yes.

Illumina Laboratory Services, Illumina
Classification: Benign for Hermansky-Pudlak syndrome 6. Last evaluated: 2018-01-13. Review status: criteria provided, single submitter. Criteria: ICSL Variant Classification Criteria 13 December 2019. Collection method: clinical testing. Allele origin: germline.
Comment: This variant was observed in the ICSL laboratory as part of a predisposition screen in an ostensibly healthy population. It had not been previously curated by ICSL or reported in the Human Gene Mutation Database (HGMD: prior to June 1st, 2018), and was therefore a candidate for classification through an automated scoring system. Utilizing variant allele frequency, disease prevalence and penetrance estimates, and inheritance mode, an automated score was calculated to assess if this variant is too frequent to cause the disease. Based on the score and internal cut-off values, a variant classified as benign is not then subjected to further curation. The score for this variant resulted in a classification of benign for this disease.

Breakthrough Genomics
Classification: Benign. Review status: criteria provided, single submitter. Criteria: ACMG Guidelines, 2015. Collection method: not provided. Allele origin: germline. Inheritance: Autosomal recessive inheritance. Affected: yes.

PreventionGenetics, part of Exact Sciences
Classification: Benign. Review status: criteria provided, single submitter. Criteria: ACMG Guidelines, 2015. Collection method: clinical testing. Allele origin: germline.